The following is an entry in ClinVar:

NM_145870.3(GSTZ1):c.99G>A (p.Thr33=)

Gene: GSTZ1 (glutathione S-transferase zeta 1; plus strand). Cytogenetic location: 14q24.3.
Variant type: single nucleotide variant.
Coding change: c.99G>A on transcript NM_145870.3 (MANE Select); coding-DNA position 99, G replaced by A.
Protein change: p.Thr33=; no amino-acid change (threonine 33 retained).
Molecular consequence: synonymous variant. On other transcripts: 5 prime UTR variant (1).
Genome position (GRCh38, 1-based): chr14:77,326,869, G>A. VCF-style: chr14-77326869-G-A. GRCh37 (hg19) VCF-style: chr14-77793212-G-A.
Other names: c.-67G>A (NM_001312660.2); c.102G>A, p.Thr34= (NM_001363703.2); c.99G>A, p.Thr33= (NM_145871.3).
Identifiers: ClinVar variation 3040046 (VCV003040046.2), dbSNP rs140889171, ClinGen allele CA7286438.
Genomic context (GRCh38, chr14:77,326,869, plus strand): 5'-TTGACTCCGCTATGTGCGGTCTCTCCTAGCTCTGGCCTTGAAAGGCATCGACTACGAGAC[G>A]GTGCCCATCAATCTCATAAAGGATGGGGGCCAACAGGTAAGAAGGCTGTGCCCAGACCAC-3'
Protein context (NP_665877.1, residues 23-43): ALALKGIDYE[Thr33=]VPINLIKDGG

ClinVar aggregate classification (germline): Likely benign (0 of 4 stars; one submission).

Conditions:
GSTZ1-related disorder. Also called: GSTZ1-related condition.

Allele frequency attached by ClinVar (database versions not stated): TOPMed 0.00061; gnomAD 0.00063; ESP Exome Variant Server 0.00069; gnomAD exomes 0.00086; ExAC 0.00092.
gnomAD v4.1: 1,343 of 1,607,298 alleles (0.084%); highest among the groups gnomAD compares: Non-Finnish European, 0.1%; no homozygotes.

Submission:

PreventionGenetics, part of Exact Sciences
Classification: Likely benign for GSTZ1-related condition. Last evaluated: 2019-09-23. Review status: no assertion criteria provided. Collection method: clinical testing. Allele origin: germline.
Comment: This variant is classified as likely benign based on ACMG/AMP sequence variant interpretation guidelines (Richards et al. 2015 PMID: 25741868, with internal and published modifications).